The following is an entry in ClinVar:

ClinVar aggregate classification (germline): Uncertain significance (1 of 4 stars; one submission).

gnomAD v4.1: 1 of 1,614,200 alleles (0.000062%); highest among the groups gnomAD compares: African/African-American, 0.0013%; no homozygotes.

Submission:

GeneDx
Classification: Uncertain significance. Last evaluated: 2025-06-03. Review status: criteria provided, single submitter. Criteria: GeneDx Variant Classification Process June 2021. Collection method: clinical testing. Allele origin: germline. Affected: yes.
Comment: Not observed at significant frequency in large population cohorts (gnomAD); In silico analysis supports that this missense variant has a deleterious effect on protein structure/function; Has not been previously published as pathogenic or benign to our knowledge

NM_006885.4(ZFHX3):c.744C>A (p.Asp248Glu)

Gene: ZFHX3 (zinc finger homeobox 3; minus strand). Cytogenetic location: 16q22.3.
Variant type: single nucleotide variant.
Coding change: c.744C>A on transcript NM_006885.4 (MANE Select); coding-DNA position 744, C replaced by A.
Protein change: p.Asp248Glu; replaces aspartic acid 248 with glutamic acid.
Molecular consequence: missense variant. On other transcripts: intron variant (1).
Genome position (GRCh38, 1-based): chr16:72,959,402, G>T on the plus strand (C>A on the coding strand, the complement: ZFHX3 is on the minus strand). VCF-style: chr16-72959402-G-T. GRCh37 (hg19) VCF-style: chr16-72993301-G-T.
Other names: c.744C>A, p.Asp248Glu (NM_001386735.1); c.-23-8437C>A (NM_001164766.2); short protein forms D248E.
Identifiers: ClinVar variation 4536466 (VCV004536466.1).